The following is an entry in ClinVar:

ClinVar aggregate classification (germline): Uncertain significance (1 of 4 stars; one submission).

Submission:

Ambry Genetics
Classification: Uncertain significance. Last evaluated: 2024-03-19. Review status: criteria provided, single submitter. Criteria: Ambry Variant Classification Scheme 2023. Collection method: clinical testing. Allele origin: germline.
Comment: The p.G407S variant (also known as c.1219G>A), located in coding exon 12 of the KIF1B gene, results from a G to A substitution at nucleotide position 1219. The glycine at codon 407 is replaced by serine, an amino acid with similar properties. This amino acid position is highly conserved in available vertebrate species. In addition, the in silico prediction for this alteration is inconclusive. The evidence for this gene-disease relationship is limited; therefore, the clinical significance of this alteration is unclear.

NM_001365951.3(KIF1B):c.1357G>A (p.Gly453Ser)

Gene: KIF1B (kinesin family member 1B; plus strand). Cytogenetic location: 1p36.22.
Variant type: single nucleotide variant.
Coding change: c.1357G>A on transcript NM_001365951.3 (MANE Select); coding-DNA position 1357, G replaced by A.
Protein change: p.Gly453Ser; replaces glycine 453 with serine.
Molecular consequence: missense variant.
Genome position (GRCh38, 1-based): chr1:10,282,456, G>A. VCF-style: chr1-10282456-G-A. GRCh37 (hg19) VCF-style: chr1-10342514-G-A.
Other names: c.1357G>A, p.Gly453Ser (NM_001365952.1); c.1219G>A, p.Gly407Ser (NM_001365953.1, NM_015074.3, NM_183416.4); short protein forms G407S, G453S.
Identifiers: ClinVar variation 3288375 (VCV003288375.1).
Genomic context (GRCh38, chr1:10,282,456, plus strand): 5'-ACAGCATCCATGGGGTCCCTCACTTCATCCCCATCTTCCTGCTCACTCAGTAGTCAGGTG[G>A]GCTTGACGTCTGTGACCAGTATTCAAGAGAGGATCATGTCTACACCTGGAGGAGAGGAAG-3'
Protein context (NP_001352880.1, residues 443-463): PSSCSLSSQV[Gly453Ser]LTSVTSIQER